The following is an entry in ClinVar:

NM_015102.5(NPHP4):c.1838A>G (p.Asn613Ser)

Gene: NPHP4 (nephrocystin 4; minus strand). Cytogenetic location: 1p36.31.
Variant type: single nucleotide variant.
Coding change: c.1838A>G on transcript NM_015102.5 (MANE Select); coding-DNA position 1838, A replaced by G.
Protein change: p.Asn613Ser; replaces asparagine 613 with serine.
Molecular consequence: missense variant. On other transcripts: non-coding transcript variant (1).
Genome position (GRCh38, 1-based): chr1:5,905,409, T>C on the plus strand (A>G on the coding strand, the complement: NPHP4 is on the minus strand). VCF-style: chr1-5905409-T-C. GRCh37 (hg19) VCF-style: chr1-5965469-T-C.
Other names: c.299A>G, p.Asn100Ser (NM_001291593.2); c.302A>G, p.Asn101Ser (NM_001291594.2); short protein forms N613S, N100S, N101S.
Identifiers: ClinVar variation 593340 (VCV000593340.9), dbSNP rs1557699489, ClinGen allele CA338054755.

ClinVar aggregate classification (germline): Uncertain significance. Review status: criteria provided, multiple submitters, no conflicts (2 of 4 stars). 3 submissions from 3 submitters: Uncertain significance (3). Last evaluated 2024-01-03.

Conditions:
Nephronophthisis. Also called: Juvenile Nephronophthisis. Identifiers: Orphanet 655, MedGen C0687120, MONDO:0019005, HP:0000090.
Nephronophthisis 4 (NPHP4). Also called: NEPHRONOPHTHISIS 4, JUVENILE. Identifiers: Orphanet 655, MedGen C1847013, MONDO:0011752, OMIM 606966.
Senior-Loken syndrome 4 (SLSN4). Identifiers: Orphanet 3156, MedGen C1846979, MONDO:0011756, OMIM 606996.

Allele frequency attached by ClinVar (database versions not stated): gnomAD exomes below 0.00001.
gnomAD v4.1: 3 of 1,613,342 alleles (0.00019%); highest among the groups gnomAD compares: Non-Finnish European, 0.00017%; no homozygotes.

Submissions (3):

Fulgent Genetics
Classification: Uncertain significance for Nephronophthisis 4; Senior-Loken syndrome 4. Last evaluated: 2024-01-03. Review status: criteria provided, single submitter. Criteria: ACMG Guidelines, 2015. Collection method: clinical testing. Allele origin: germline.

Labcorp Genetics (formerly Invitae), Labcorp
Classification: Uncertain significance for Nephronophthisis. Last evaluated: 2022-05-27. Review status: criteria provided, single submitter. Criteria: Invitae Variant Classification Sherloc (09022015). Collection method: clinical testing. Allele origin: germline.
Comment: This sequence change replaces asparagine, which is neutral and polar, with serine, which is neutral and polar, at codon 613 of the NPHP4 protein (p.Asn613Ser). This variant is not present in population databases (gnomAD no frequency). This variant has not been reported in the literature in individuals affected with NPHP4-related conditions. ClinVar contains an entry for this variant (Variation ID: 593340). Algorithms developed to predict the effect of missense changes on protein structure and function output the following: SIFT: "Tolerated"; PolyPhen-2: "Benign"; Align-GVGD: "Class C0". The serine amino acid residue is found in multiple mammalian species, which suggests that this missense change does not adversely affect protein function. In summary, the available evidence is currently insufficient to determine the role of this variant in disease. Therefore, it has been classified as a Variant of Uncertain Significance.

Eurofins Ntd Llc (ga)
Classification: Uncertain significance. Last evaluated: 2017-07-20. Review status: criteria provided, single submitter. Criteria: EGL Classification Definitions 2015. Collection method: clinical testing. Allele origin: germline. Observed: 1 variant allele, 1 heterozygote.